The following is an entry in ClinVar:

NM_022765.4(MICAL1):c.1166G>T (p.Gly389Val)

Gene: MICAL1 (microtubule associated monooxygenase, calponin and LIM domain containing 1; minus strand). Cytogenetic location: 6q21.
Variant type: single nucleotide variant.
Coding change: c.1166G>T on transcript NM_022765.4 (MANE Select); coding-DNA position 1166, G replaced by T.
Protein change: p.Gly389Val; replaces glycine 389 with valine.
Molecular consequence: missense variant. On other transcripts: intron variant (1).
Genome position (GRCh38, 1-based): chr6:109,450,325, C>A on the plus strand (G>T on the coding strand, the complement: MICAL1 is on the minus strand). VCF-style: chr6-109450325-C-A. GRCh37 (hg19) VCF-style: chr6-109771528-C-A.
Other names: c.934-240G>T (NM_001159291.2); c.1223G>T, p.Gly408Val (NM_001286613.2); short protein forms G408V, G389V.
Identifiers: ClinVar variation 2819342 (VCV002819342.3), dbSNP rs2482800078, ClinGen allele CA365230790.
Genomic context (GRCh38, chr6:109,450,325, plus strand): 5'-AACCATGAAACCCCTGTGCCTCCTGAACCCCTCACCTCCACCAGGCAGTCCCCCACCAGT[C>A]CCAGCAGCAGGCGGGCGCCATGCTTCTCTTGCACACGAGCAGAACTCTCTGCCCGCATCA-3'
Protein context (NP_073602.3, residues 379-399): QEKHGARLLL[Gly389Val]LVGDCLVEPF

ClinVar aggregate classification (germline): Uncertain significance (1 of 4 stars; one submission).

Submission:

Labcorp Genetics (formerly Invitae), Labcorp
Classification: Uncertain significance. Last evaluated: 2022-12-07. Review status: criteria provided, single submitter. Criteria: Invitae Variant Classification Sherloc (09022015). Collection method: clinical testing. Allele origin: germline.
Comment: Algorithms developed to predict the effect of missense changes on protein structure and function are either unavailable or do not agree on the potential impact of this missense change (SIFT: "Deleterious"; PolyPhen-2: "Probably Damaging"; Align-GVGD: "Class C0"). Algorithms developed to predict the effect of sequence changes on RNA splicing suggest that this variant may create or strengthen a splice site. In summary, the available evidence is currently insufficient to determine the role of this variant in disease. Therefore, it has been classified as a Variant of Uncertain Significance. This variant has not been reported in the literature in individuals affected with MICAL1-related conditions. This sequence change replaces glycine, which is neutral and non-polar, with valine, which is neutral and non-polar, at codon 408 of the MICAL1 protein (p.Gly408Val). This variant is not present in population databases (gnomAD no frequency).